The following is an entry in ClinVar:

NM_002691.4(POLD1):c.1273G>T (p.Ala425Ser)

Gene: POLD1 (DNA polymerase delta 1, catalytic subunit; plus strand). Cytogenetic location: 19q13.33.
Variant type: single nucleotide variant.
Coding change: c.1273G>T on transcript NM_002691.4 (MANE Select); coding-DNA position 1273, G replaced by T.
Protein change: p.Ala425Ser; replaces alanine 425 with serine.
Molecular consequence: missense variant. On other transcripts: non-coding transcript variant (1).
Genome position (GRCh38, 1-based): chr19:50,406,212, G>T. VCF-style: chr19-50406212-G-T. GRCh37 (hg19) VCF-style: chr19-50909469-G-T.
Other names: c.1273G>T, p.Ala425Ser (NM_001256849.1, NM_001308632.1); short protein forms A425S.
Identifiers: ClinVar variation 537094 (VCV000537094.15), dbSNP rs1027677934, ClinGen allele CA309601751.
Genomic context (GRCh38, chr19:50,406,212, plus strand): 5'-CCTGCTGCACACCCTGCCTCTCCTCCTCAGGTACAAACATTCCCTTTCCTGGGCCGTGTG[G>T]CCGGCCTTTGCTCCAACATCCGGGACTCTTCATTCCAGTCCAAGCAGACGGGCCGGCGGG-3'
Protein context (NP_002682.2, residues 415-435): VQTFPFLGRV[Ala425Ser]GLCSNIRDSS

ClinVar aggregate classification (germline): Conflicting classifications of pathogenicity. Review status: criteria provided, conflicting classifications (1 of 4 stars). 3 submissions from 3 submitters: Uncertain significance (2); Likely benign (1). Last evaluated 2026-01-16.

Conditions:
POLD1-related polyposis and colorectal cancer syndrome (CRCS10). Also called: Colorectal cancer 10; COLORECTAL CANCER, SUSCEPTIBILITY TO, ON CHROMOSOME 19q; Colorectal cancer, susceptibility to, 10. Identifiers: Orphanet 220460, MedGen C2675481, MONDO:0012953, OMIM 612591.
Hereditary cancer-predisposing syndrome. Also called: Tumor predisposition; Neoplastic Syndromes, Hereditary; Hereditary Cancer Syndrome; Hereditary neoplastic syndrome. Identifiers: Orphanet 140162, MedGen C0027672, MeSH D009386, MONDO:0015356.

Allele frequency attached by ClinVar (database versions not stated): gnomAD exomes below 0.00001 and 0.00001.
gnomAD v4.1: 20 of 1,613,918 alleles (0.0012%); highest among the groups gnomAD compares: Non-Finnish European, 0.0017%; no homozygotes.

Submissions (3):

Labcorp Genetics (formerly Invitae), Labcorp
Classification: Uncertain significance for POLD1-related polyposis and colorectal cancer syndrome. Last evaluated: 2026-01-16. Review status: criteria provided, single submitter. Criteria: Invitae Variant Classification Sherloc (09022015). Collection method: clinical testing. Allele origin: germline.
Comment: This sequence change replaces alanine, which is neutral and non-polar, with serine, which is neutral and polar, at codon 425 of the POLD1 protein (p.Ala425Ser). This variant is present in population databases (no rsID available, gnomAD 0.0009%). This variant has not been reported in the literature in individuals affected with POLD1-related conditions. ClinVar contains an entry for this variant (Variation ID: 537094). Invitae Evidence Modeling of protein sequence and biophysical properties (such as structural, functional, and spatial information, amino acid conservation, physicochemical variation, residue mobility, and thermodynamic stability) indicates that this missense variant is not expected to disrupt POLD1 protein function with a negative predictive value of 80%. In summary, the available evidence is currently insufficient to determine the role of this variant in disease. Therefore, it has been classified as a Variant of Uncertain Significance.

GeneDx
Classification: Uncertain significance. Last evaluated: 2024-08-11. Review status: criteria provided, single submitter. Criteria: GeneDx Variant Classification Process June 2021. Collection method: clinical testing. Allele origin: germline. Affected: yes.
Comment: Not observed at significant frequency in large population cohorts (gnomAD); In silico analysis indicates that this missense variant does not alter protein structure/function; Has not been previously published as pathogenic or benign to our knowledge; This variant is associated with the following publications: (PMID: 29056344, 20951805)

Ambry Genetics
Classification: Likely benign for Hereditary cancer-predisposing syndrome. Last evaluated: 2019-06-24. Review status: criteria provided, single submitter. Criteria: Ambry Variant Classification Scheme 2023. Collection method: clinical testing. Allele origin: germline.